The following is an entry in ClinVar:

ClinVar aggregate classification (germline): Uncertain significance (1 of 4 stars; one submission).

Conditions:
Developmental and epileptic encephalopathy, 36 (DEE36). Also called: Epileptic encephalopathy, early infantile, 36; ALG13-CDG; Congenital disorder of glycosylation, type Is. Identifiers: Orphanet 324422, MedGen C4317295, MONDO:0010472, OMIM 300884.

gnomAD v4.1: 3 of 1,205,628 alleles (0.00025%); highest among the groups gnomAD compares: Non-Finnish European, 0.00034%; no homozygotes.

Submission:

Labcorp Genetics (formerly Invitae), Labcorp
Classification: Uncertain significance for Developmental and epileptic encephalopathy, 36. Last evaluated: 2024-11-19. Review status: criteria provided, single submitter. Criteria: Invitae Variant Classification Sherloc (09022015). Collection method: clinical testing. Allele origin: germline.
Comment: This sequence change replaces arginine, which is basic and polar, with glutamine, which is neutral and polar, at codon 663 of the ALG13 protein (p.Arg663Gln). This variant is present in population databases (no rsID available, gnomAD 0.001%). This variant has not been reported in the literature in individuals affected with ALG13-related conditions. Invitae Evidence Modeling of protein sequence and biophysical properties (such as structural, functional, and spatial information, amino acid conservation, physicochemical variation, residue mobility, and thermodynamic stability) indicates that this missense variant is not expected to disrupt ALG13 protein function with a negative predictive value of 95%. Algorithms developed to predict the effect of sequence changes on RNA splicing suggest that this variant may disrupt the consensus splice site. In summary, the available evidence is currently insufficient to determine the role of this variant in disease. Therefore, it has been classified as a Variant of Uncertain Significance.

NM_001099922.3(ALG13):c.1988G>A (p.Arg663Gln)

Gene: ALG13 (ALG13 UDP-N-acetylglucosaminyltransferase subunit; plus strand). Cytogenetic location: Xq23.
Variant type: single nucleotide variant.
Coding change: c.1988G>A on transcript NM_001099922.3 (MANE Select); coding-DNA position 1988, G replaced by A.
Protein change: p.Arg663Gln; replaces arginine 663 with glutamine.
Molecular consequence: missense variant. On other transcripts: non-coding transcript variant (1).
Genome position (GRCh38, 1-based): chrX:111,727,343, G>A. VCF-style: chrX-111727343-G-A. GRCh37 (hg19) VCF-style: chrX-110970571-G-A.
Other names: c.1676G>A, p.Arg559Gln (NM_001257230.2, NM_001257234.2, NM_001257237.2); c.1754G>A, p.Arg585Gln (NM_001257231.2); c.1988G>A, p.Arg663Gln (NM_001324292.2); c.1502G>A, p.Arg501Gln (NM_001324293.1); short protein forms R559Q, R585Q, R501Q, R663Q.
Identifiers: ClinVar variation 3651032 (VCV003651032.2).